The following is an entry in ClinVar:

NM_000101.4(CYBA):c.203+102_404del

Gene: CYBA (cytochrome b-245 alpha chain; minus strand). Cytogenetic location: 16q24.2.
Variant type: Deletion.
Coding change: c.203+102_404del on transcript NM_000101.4 (MANE Select); 102 bases into the intron after coding-DNA position 203 through coding-DNA position 404, 3,463 bases deleted.
Molecular consequence: splice acceptor variant, splice donor variant.
Genome position (GRCh38, 1-based): chr16:88,643,537-88,646,999, 3,463 bases deleted. GRCh37 (hg19): chr16:88,709,946-88,713,408.
Identifiers: ClinVar variation 845152 (VCV000845152.1), ClinGen allele CA916081862.

ClinVar aggregate classification (germline): Likely pathogenic (1 of 4 stars; one submission).

Conditions:
Granulomatous disease, chronic, autosomal recessive, cytochrome b-negative. Also called: GRANULOMATOUS DISEASE, CHRONIC, AUTOSOMAL RECESSIVE, 4; Chronic granulomatous disease, autosomal, due to deficiency of CYBA; CGD DUE TO DEFICIENCY OF THE ALPHA SUBUNIT OF CYTOCHROME b; CGD, AUTOSOMAL RECESSIVE CYTOCHROME b-NEGATIVE; CYBA DEFICIENCY. Identifiers: Orphanet 379, MedGen C1856255, MONDO:0009308, OMIM 233690.

Submission:

Labcorp Genetics (formerly Invitae), Labcorp
Classification: Likely pathogenic for Granulomatous disease, chronic, autosomal recessive, cytochrome b-negative. Last evaluated: 2019-02-04. Review status: criteria provided, single submitter. Criteria: Invitae Variant Classification Sherloc (09022015). Collection method: clinical testing. Allele origin: germline.
Comment: This variant is a deletion of the genomic region encompassing exons 4 and 5, as well as part of exon 6 (c.203+101_403delinsGCCTCCA) of the CYBA gene. While this is not anticipated to result in nonsense mediated decay, it is expected to result in a truncated protein product. This variant has not been reported in the literature in individuals with CYBA-related conditions. This partial exon deletion disrupts, among other residues, the p.Arg90 amino acid residue in exon 4 of CYBA. Other variant(s) that disrupt the p.Arg90 residue have been observed in individuals with CYBA-related conditions (PMID: 10910929, 20167518), suggesting that it is a clinically significant residue. As a result, variants that disrupt this residue are likely to be causative of disease. In summary, the currently available evidence indicates that the variant is pathogenic, but additional data are needed to prove that conclusively. Therefore, this variant has been classified as Likely Pathogenic.

Literature cited by the submitters: PubMed 20167518; PubMed 10910929.